The following is an entry in ClinVar:

ClinVar aggregate classification (germline): Uncertain significance (1 of 4 stars; one submission).

Allele frequency attached by ClinVar (database versions not stated): TOPMed 0.00002; gnomAD 0.00005; ExAC 0.00014; 1000 Genomes Project 30x 0.00016; 1000 Genomes Project 0.00020.
gnomAD v4.1: 121 of 1,614,060 alleles (0.0075%); highest among the groups gnomAD compares: Middle Eastern, 0.15%; no homozygotes.

Submission:

Labcorp Genetics (formerly Invitae), Labcorp
Classification: Uncertain significance. Last evaluated: 2025-11-24. Review status: criteria provided, single submitter. Criteria: Invitae Variant Classification Sherloc (09022015). Collection method: clinical testing. Allele origin: germline.
Comment: This sequence change replaces isoleucine, which is neutral and non-polar, with valine, which is neutral and non-polar, at codon 1774 of the FAT1 protein (p.Ile1774Val). This variant is present in population databases (rs532008780, gnomAD 0.09%). This missense change has been observed in individual(s) with clinical features of FAT1-related conditions (PMID: 35179696). ClinVar contains an entry for this variant (Variation ID: 2053504). Invitae Evidence Modeling of protein sequence and biophysical properties (such as structural, functional, and spatial information, amino acid conservation, physicochemical variation, residue mobility, and thermodynamic stability) indicates that this missense variant is not expected to disrupt FAT1 protein function with a negative predictive value of 80%. In summary, the available evidence is currently insufficient to determine the role of this variant in disease. Therefore, it has been classified as a Variant of Uncertain Significance.

Literature cited by the submitters: PubMed 35179696.

NM_005245.4(FAT1):c.5320A>G (p.Ile1774Val)

Gene: FAT1 (FAT atypical cadherin 1; minus strand). Cytogenetic location: 4q35.2.
Variant type: single nucleotide variant.
Coding change: c.5320A>G on transcript NM_005245.4 (MANE Select); coding-DNA position 5320, A replaced by G.
Protein change: p.Ile1774Val; replaces isoleucine 1774 with valine.
Molecular consequence: missense variant.
Genome position (GRCh38, 1-based): chr4:186,621,266, T>C on the plus strand (A>G on the coding strand, the complement: FAT1 is on the minus strand). VCF-style: chr4-186621266-T-C. GRCh37 (hg19) VCF-style: chr4-187542420-T-C.
Other names: short protein forms I1774V.
Identifiers: ClinVar variation 2053504 (VCV002053504.4), dbSNP rs532008780, ClinGen allele CA3166482.
Genomic context (GRCh38, chr4:186,621,266, plus strand): 5'-TCACCAGTGGGACATTCCTGTCTGTTAGGACCACGCTGTTAATTGAGGCTGATTCACTAA[T>C]GAGTCCTGTATATTCTGCCTGCATAAAAACTGGCGCGTTGTCATTCTCATCCTGCAAGTG-3'
Protein context (NP_005236.2, residues 1764-1784): VFMQAEYTGL[Ile1774Val]SESASINSVV